The following is an entry in ClinVar:

NM_138927.4(SON):c.1582C>T (p.Pro528Ser)

Gene: SON (SON DNA and RNA binding protein; plus strand). Cytogenetic location: 21q22.11.
Variant type: single nucleotide variant.
Coding change: c.1582C>T on transcript NM_138927.4 (MANE Select); coding-DNA position 1582, C replaced by T.
Protein change: p.Pro528Ser; replaces proline 528 with serine.
Molecular consequence: missense variant. On other transcripts: non-coding transcript variant (1), intron variant (1).
Genome position (GRCh38, 1-based): chr21:33,550,813, C>T. VCF-style: chr21-33550813-C-T. GRCh37 (hg19) VCF-style: chr21-34923119-C-T.
Other names: c.1582C>T, p.Pro528Ser (NM_001291411.2, NM_032195.3); c.244+4434C>T (NM_001291412.3); short protein forms P528S.
Identifiers: ClinVar variation 4538680 (VCV004538680.2).
Genomic context (GRCh38, chr21:33,550,813, plus strand): 5'-GTGACGACGACAGAGTTGGAGCAGCCTGTGGGGATGACAACGGTGGAACATCCTGGGCAT[C>T]CTGAGGTGACAACGGCAACAGGGTTGCTGGGGCAGCCTGAGGCAACGATGGTGCTGGAGT-3'
Protein context (NP_620305.3, residues 518-538): GMTTVEHPGH[Pro528Ser]EVTTATGLLG

ClinVar aggregate classification (germline): Uncertain significance (1 of 4 stars; one submission).

Submission:

GeneDx
Classification: Uncertain significance. Last evaluated: 2026-02-23. Review status: criteria provided, single submitter. Criteria: GeneDx Variant Classification Process June 2021. Collection method: clinical testing. Allele origin: germline.
Comment: Not observed at significant frequency in large population cohorts (gnomAD); In silico analysis supports that this missense variant has a deleterious effect on protein structure/function; Has not been previously published as pathogenic or benign to our knowledge